The following is an entry in ClinVar:

NM_006445.4(PRPF8):c.6510+5T>C

Gene: PRPF8 (pre-mRNA processing factor 8; minus strand). Cytogenetic location: 17p13.3.
Variant type: single nucleotide variant.
Coding change: c.6510+5T>C on transcript NM_006445.4 (MANE Select); 5 bases into the intron after coding-DNA position 6510, T replaced by C.
Molecular consequence: intron variant.
Genome position (GRCh38, 1-based): chr17:1,651,643, A>G on the plus strand (T>C on the coding strand, the complement: PRPF8 is on the minus strand). VCF-style: chr17-1651643-A-G. GRCh37 (hg19) VCF-style: chr17-1554937-A-G.
Identifiers: ClinVar variation 1948129 (VCV001948129.5), dbSNP rs764321683, ClinGen allele CA8271174.

ClinVar aggregate classification (germline): Uncertain significance (1 of 4 stars; one submission).

Allele frequency attached by ClinVar (database versions not stated): TOPMed below 0.00001; gnomAD exomes 0.00002; ExAC 0.00004.
gnomAD v4.1: 25 of 1,614,132 alleles (0.0015%); highest among the groups gnomAD compares: South Asian, 0.022%; no homozygotes.

Submission:

Labcorp Genetics (formerly Invitae), Labcorp
Classification: Uncertain significance. Last evaluated: 2022-08-06. Review status: criteria provided, single submitter. Criteria: Invitae Variant Classification Sherloc (09022015). Collection method: clinical testing. Allele origin: germline.
Comment: In summary, the available evidence is currently insufficient to determine the role of this variant in disease. Therefore, it has been classified as a Variant of Uncertain Significance. Variants that disrupt the consensus splice site are a relatively common cause of aberrant splicing (PMID: 17576681, 9536098). Algorithms developed to predict the effect of sequence changes on RNA splicing suggest that this variant is not likely to affect RNA splicing. This variant has not been reported in the literature in individuals affected with PRPF8-related conditions. This variant is present in population databases (rs764321683, gnomAD 0.02%). This sequence change falls in intron 40 of the PRPF8 gene. It does not directly change the encoded amino acid sequence of the PRPF8 protein. It affects a nucleotide within the consensus splice site.

Literature cited by the submitters: PubMed 17576681; PubMed 9536098.